The following is an entry in ClinVar:

ClinVar aggregate classification (germline): Uncertain significance (1 of 4 stars; one submission).

Conditions:
Hereditary cancer-predisposing syndrome. Also called: Neoplastic Syndromes, Hereditary; Tumor predisposition; Hereditary Cancer Syndrome; Hereditary neoplastic syndrome. Identifiers: Orphanet 140162, MedGen C0027672, MeSH D009386, MONDO:0015356.

Submission:

Ambry Genetics
Classification: Uncertain significance for Hereditary cancer-predisposing syndrome. Last evaluated: 2026-06-10. Review status: criteria provided, single submitter. Criteria: Ambry Variant Classification Scheme 2023. Collection method: clinical testing. Allele origin: germline.
Comment: The p.F652L variant (also known as c.1956C>A), located in coding exon 6 of the MET gene, results from a C to A substitution at nucleotide position 1956. The phenylalanine at codon 652 is replaced by leucine, an amino acid with highly similar properties. This amino acid position is conserved. In addition, the in silico prediction for this alteration is inconclusive. Based on the available evidence, the clinical significance of this variant remains unclear.

NM_000245.4(MET):c.1956C>A (p.Phe652Leu)

Gene: MET (MET proto-oncogene, receptor tyrosine kinase; plus strand). Cytogenetic location: 7q31.2.
Variant type: single nucleotide variant.
Coding change: c.1956C>A on transcript NM_000245.4 (MANE Select); coding-DNA position 1956, C replaced by A.
Protein change: p.Phe652Leu; replaces phenylalanine 652 with leucine.
Molecular consequence: missense variant.
Genome position (GRCh38, 1-based): chr7:116,757,530, C>A. VCF-style: chr7-116757530-C-A. GRCh37 (hg19) VCF-style: chr7-116397584-C-A.
Other names: c.1956C>A, p.Phe652Leu (NM_001127500.3, NM_001324401.3); c.666C>A, p.Phe222Leu (NM_001324402.2); short protein forms F222L, F652L.
Identifiers: ClinVar variation 4859924 (VCV004859924.1).